The following is an entry in ClinVar:

NM_000051.4(ATM):c.1583C>T (p.Thr528Ile)

Gene: ATM (ATM serine/threonine kinase; plus strand). Cytogenetic location: 11q22.3.
Variant type: single nucleotide variant.
Coding change: c.1583C>T on transcript NM_000051.4 (MANE Select); coding-DNA position 1583, C replaced by T.
Protein change: p.Thr528Ile; replaces threonine 528 with isoleucine.
Molecular consequence: missense variant.
Genome position (GRCh38, 1-based): chr11:108,251,048, C>T. VCF-style: chr11-108251048-C-T. GRCh37 (hg19) VCF-style: chr11-108121775-C-T.
Other names: c.1583C>T, p.Thr528Ile (NM_001351834.2); short protein forms T528I.
Identifiers: ClinVar variation 3657710 (VCV003657710.3).

ClinVar aggregate classification (germline): Conflicting classifications of pathogenicity. Review status: criteria provided, conflicting classifications (1 of 4 stars). 2 submissions from 2 submitters: Uncertain significance (1); Likely benign (1). Last evaluated 2025-10-20.

Conditions:
Hereditary cancer-predisposing syndrome. Also called: Neoplastic Syndromes, Hereditary; Hereditary neoplastic syndrome; Tumor predisposition; Hereditary Cancer Syndrome. Identifiers: Orphanet 140162, MedGen C0027672, MeSH D009386, MONDO:0015356.
Ataxia-telangiectasia syndrome (AT). Also called: LOUIS-BAR SYNDROME; Cerebello-oculocutaneous telangiectasia; Immunodeficiency with ataxia telangiectasia; ATAXIA-TELANGIECTASIA, COMPLEMENTATION GROUP A; ATAXIA-TELANGIECTASIA, FRESNO VARIANT; Ataxia-telangiectasia, complementation group D. Identifiers: Orphanet 100, MedGen C0004135, MONDO:0008840, OMIM 208900.

Submissions (2):

Ambry Genetics
Classification: Likely benign for Hereditary cancer-predisposing syndrome. Last evaluated: 2025-10-20. Review status: criteria provided, single submitter. Criteria: Ambry Variant Classification Scheme 2023. Collection method: clinical testing. Allele origin: germline.

Labcorp Genetics (formerly Invitae), Labcorp
Classification: Uncertain significance for Ataxia-telangiectasia syndrome. Last evaluated: 2024-06-25. Review status: criteria provided, single submitter. Criteria: Invitae Variant Classification Sherloc (09022015). Collection method: clinical testing. Allele origin: germline.
Comment: This sequence change replaces threonine, which is neutral and polar, with isoleucine, which is neutral and non-polar, at codon 528 of the ATM protein (p.Thr528Ile). This variant is not present in population databases (gnomAD no frequency). This variant has not been reported in the literature in individuals affected with ATM-related conditions. Algorithms developed to predict the effect of missense changes on protein structure and function output the following: SIFT: "Not Available"; PolyPhen-2: "Benign"; Align-GVGD: "Not Available". The isoleucine amino acid residue is found in multiple mammalian species, which suggests that this missense change does not adversely affect protein function. In summary, the available evidence is currently insufficient to determine the role of this variant in disease. Therefore, it has been classified as a Variant of Uncertain Significance.